The following is an entry in ClinVar:

NM_001927.4(DES):c.373A>T (p.Lys125Ter)

Gene: DES (desmin; plus strand). Cytogenetic location: 2q35.
Variant type: single nucleotide variant.
Coding change: c.373A>T on transcript NM_001927.4 (MANE Select); coding-DNA position 373, A replaced by T.
Protein change: p.Lys125Ter; replaces lysine 125 with a stop codon.
Molecular consequence: nonsense.
Genome position (GRCh38, 1-based): chr2:219,418,835, A>T. VCF-style: chr2-219418835-A-T. GRCh37 (hg19) VCF-style: chr2-220283557-A-T.
Other names: c.373A>T (LRG_380t1); short protein forms K125*.
Identifiers: ClinVar variation 285007 (VCV000285007.11), dbSNP rs886043000, ClinGen allele CA10604977.
Genomic context (GRCh38, chr2:219,418,835, plus strand): 5'-CGCACCAACGAGAAGGTGGAGCTGCAGGAGCTCAATGACCGCTTCGCCAACTACATCGAG[A>T]AGGTGCGCTTCCTGGAGCAGCAGAACGCGGCGCTCGCCGCCGAAGTGAACCGGCTCAAGG-3'

ClinVar aggregate classification (germline): Pathogenic. Review status: criteria provided, multiple submitters, no conflicts (2 of 4 stars). 2 submissions from 2 submitters: Pathogenic (2). Last evaluated 2020-02-24.

Conditions:
Desmin-related myofibrillar myopathy (MFM1). Also called: Desmin related myopathy (former name); Desmin storage myopathy (former name); Desminopathy; MYOFIBRILLAR MYOPATHY WITH ARRHYTHMOGENIC RIGHT VENTRICULAR CARDIOMYOPATHY; DESMIN-RELATED MYOPATHY WITH ARRHYTHMOGENIC RIGHT VENTRICULAR CARDIOMYOPATHY; Myofibrillar myopathy 1. Identifiers: Orphanet 363543, Orphanet 98909, MedGen C1832370, MONDO:0011076, OMIM 601419.

Allele frequency attached by ClinVar (database versions not stated): gnomAD exomes below 0.00001.
gnomAD v4.1: 1 of 1,583,222 alleles (0.000063%); highest among the groups gnomAD compares: Admixed American, 0.0018%; no homozygotes.

Submissions (2):

Labcorp Genetics (formerly Invitae), Labcorp
Classification: Pathogenic for Desmin-related myofibrillar myopathy. Last evaluated: 2020-02-24. Review status: criteria provided, single submitter. Criteria: Invitae Variant Classification Sherloc (09022015). Collection method: clinical testing. Allele origin: germline.
Comment: This sequence change creates a premature translational stop signal (p.Lys125*) in the DES gene. It is expected to result in an absent or disrupted protein product. This variant is not present in population databases (ExAC no frequency). This variant has not been reported in the literature in individuals with DES-related disease. ClinVar contains an entry for this variant (Variation ID: 285007). Loss-of-function variants in DES are known to be pathogenic (PMID: 14724127, 23575897). For these reasons, this variant has been classified as Pathogenic.

Eurofins Ntd Llc (ga)
Classification: Pathogenic. Last evaluated: 2015-11-30. Review status: criteria provided, single submitter. Criteria: EGL Classification Definitions 2015. Collection method: clinical testing. Allele origin: germline. Observed: 2 variant alleles, 1 heterozygote, 1 homozygote.

Literature cited by the submitters: PubMed 14724127 (cited by Labcorp Genetics (formerly Invitae), Labcorp); PubMed 23575897 (cited by Labcorp Genetics (formerly Invitae), Labcorp).